The following is an entry in ClinVar:

ClinVar aggregate classification (germline): Uncertain significance (1 of 4 stars; one submission).

Conditions:
KBG syndrome (KBGS). Also called: ANKRD11-Related KBG Syndrome. Identifiers: Orphanet 2332, MedGen C0220687, MONDO:0007846, OMIM 148050.

Allele frequency attached by ClinVar (database versions not stated): ExAC 0.00001; gnomAD exomes 0.00001; 1000 Genomes Project 30x 0.00031; 1000 Genomes Project 0.00040.
gnomAD v4.1: 10 of 1,613,414 alleles (0.00062%); highest among the groups gnomAD compares: Admixed American, 0.0083%; no homozygotes.

Submission:

Labcorp Genetics (formerly Invitae), Labcorp
Classification: Uncertain significance for KBG syndrome. Last evaluated: 2026-01-19. Review status: criteria provided, single submitter. Criteria: Invitae Variant Classification Sherloc (09022015). Collection method: clinical testing. Allele origin: germline.
Comment: This sequence change replaces alanine, which is neutral and non-polar, with serine, which is neutral and polar, at codon 1959 of the ANKRD11 protein (p.Ala1959Ser). This variant is present in population databases (rs372148958, gnomAD 0.003%). This variant has not been reported in the literature in individuals affected with ANKRD11-related conditions. ClinVar contains an entry for this variant (Variation ID: 1426402). Invitae Evidence Modeling of protein sequence and biophysical properties (such as structural, functional, and spatial information, amino acid conservation, physicochemical variation, residue mobility, and thermodynamic stability) indicates that this missense variant is not expected to disrupt ANKRD11 protein function with a negative predictive value of 95%. In summary, the available evidence is currently insufficient to determine the role of this variant in disease. Therefore, it has been classified as a Variant of Uncertain Significance.

NM_013275.6(ANKRD11):c.5875G>T (p.Ala1959Ser)

Gene: ANKRD11 (ankyrin repeat domain 11; minus strand). Cytogenetic location: 16q24.3.
Variant type: single nucleotide variant.
Coding change: c.5875G>T on transcript NM_013275.6 (MANE Select); coding-DNA position 5875, G replaced by T.
Protein change: p.Ala1959Ser; replaces alanine 1959 with serine.
Molecular consequence: missense variant.
Genome position (GRCh38, 1-based): chr16:89,280,667, C>A on the plus strand (G>T on the coding strand, the complement: ANKRD11 is on the minus strand). VCF-style: chr16-89280667-C-A. GRCh37 (hg19) VCF-style: chr16-89347075-C-A.
Other names: c.5875G>T, p.Ala1959Ser (NM_001256182.2, NM_001256183.2); short protein forms A1959S.
Identifiers: ClinVar variation 1426402 (VCV001426402.6), dbSNP rs372148958, ClinGen allele CA8241690.